The following is an entry in ClinVar:

ClinVar aggregate classification (germline): Uncertain significance. Review status: criteria provided, multiple submitters, no conflicts (2 of 4 stars). 7 submissions from 7 submitters: Uncertain significance (6). 1 of the submissions does not count toward it. Last evaluated 2026-04-01.

Conditions:
Glycogen storage disease, type II (IOPD). Also called: Glycogen storage disease type 2; Acid maltase deficiency disease; Aglucosidase alfa; Deficiency of alpha-glucosidase; Deficiency of lysosomal alpha-glucosidase; POMPE DISEASE, INFANTILE-ONSET. Identifiers: Orphanet 365, MedGen C0017921, MONDO:0009290, OMIM 232300.

Allele frequency attached by ClinVar (database versions not stated): gnomAD 0.00003; gnomAD exomes 0.00004; TOPMed 0.00004; ExAC 0.00005; ESP Exome Variant Server 0.00023.
gnomAD v4.1: 30 of 1,613,386 alleles (0.0019%); highest among the groups gnomAD compares: Non-Finnish European, 0.0025%; no homozygotes.

Submissions (7):

CeGaT Center for Human Genetics Tuebingen
Classification: Uncertain significance. Last evaluated: 2026-04-01. Review status: criteria provided, single submitter. Criteria: CeGaT Center For Human Genetics Tuebingen Variant Classification Criteria Version 2. Collection method: clinical testing. Allele origin: germline. Affected: yes. Observed: 1 variant allele.
Comment: GAA: PM2

Labcorp Genetics (formerly Invitae), Labcorp
Classification: Uncertain significance for Glycogen storage disease, type II. Last evaluated: 2025-01-29. Review status: criteria provided, single submitter. Criteria: Invitae Variant Classification Sherloc (09022015). Collection method: clinical testing. Allele origin: germline.
Comment: This sequence change replaces glycine, which is neutral and non-polar, with serine, which is neutral and polar, at codon 920 of the GAA protein (p.Gly920Ser). This variant is present in population databases (rs375021198, gnomAD 0.008%). This variant has not been reported in the literature in individuals affected with GAA-related conditions. ClinVar contains an entry for this variant (Variation ID: 526526). Invitae Evidence Modeling of protein sequence and biophysical properties (such as structural, functional, and spatial information, amino acid conservation, physicochemical variation, residue mobility, and thermodynamic stability) indicates that this missense variant is not expected to disrupt GAA protein function with a negative predictive value of 95%. In summary, the available evidence is currently insufficient to determine the role of this variant in disease. Therefore, it has been classified as a Variant of Uncertain Significance.

GeneDx
Classification: Uncertain significance. Last evaluated: 2024-11-11. Review status: criteria provided, single submitter. Criteria: GeneDx Variant Classification Process June 2021. Collection method: clinical testing. Allele origin: germline. Affected: yes.
Comment: Not observed at significant frequency in large population cohorts (gnomAD); In silico analysis supports that this missense variant has a deleterious effect on protein structure/function; Has not been previously published as pathogenic or benign to our knowledge; This variant is associated with the following publications: (PMID: 19343043, 22253258)

Mayo Clinic Laboratories, Mayo Clinic
Classification: Uncertain significance. Last evaluated: 2022-10-21. Review status: criteria provided, single submitter. Criteria: ACMG Guidelines, 2015. Collection method: clinical testing. Allele origin: germline. Observed: 1 variant allele.
Comment: PM2

Genome-Nilou Lab
Classification: Uncertain significance for Glycogen storage disease, type II. Last evaluated: 2021-09-05. Review status: criteria provided, single submitter. Criteria: ACMG Guidelines, 2015. Collection method: clinical testing. Allele origin: germline. Affected: no.

Illumina Laboratory Services, Illumina
Classification: Uncertain significance for Glycogen storage disease, type II. Last evaluated: 2017-04-28. Review status: criteria provided, single submitter. Criteria: ICSL Variant Classification Criteria 13 December 2019. Collection method: clinical testing. Allele origin: germline.

Natera, Inc.
Classification: Uncertain significance for Glycogen storage disease type II. Last evaluated: 2019-10-28. Review status: no assertion criteria provided. Collection method: clinical testing. Allele origin: germline. Not counted in ClinVar's aggregate classification.

NM_000152.5(GAA):c.2758G>A (p.Gly920Ser)

Gene: GAA (alpha glucosidase; plus strand). Cytogenetic location: 17q25.3.
Variant type: single nucleotide variant.
Coding change: c.2758G>A on transcript NM_000152.5 (MANE Select); coding-DNA position 2758, G replaced by A.
Protein change: p.Gly920Ser; replaces glycine 920 with serine.
Molecular consequence: missense variant.
Genome position (GRCh38, 1-based): chr17:80,118,764, G>A. VCF-style: chr17-80118764-G-A. GRCh37 (hg19) VCF-style: chr17-78092563-G-A.
Other names: p.Gly920Ser; c.2758G>A (LRG_673t1); c.2758G>A, p.Gly920Ser (NM_001079803.3, NM_001079804.3); short protein forms G920S.
Identifiers: ClinVar variation 526526 (VCV000526526.20), dbSNP rs375021198, ClinGen allele CA8815851.